The following is an entry in ClinVar:

NM_001271.4(CHD2):c.1578G>A (p.Leu526=)

Gene: CHD2 (chromodomain helicase DNA binding protein 2; plus strand). Cytogenetic location: 15q26.1.
Variant type: single nucleotide variant.
Coding change: c.1578G>A on transcript NM_001271.4 (MANE Select); coding-DNA position 1578, G replaced by A.
Protein change: p.Leu526=; no amino-acid change (leucine 526 retained).
Molecular consequence: synonymous variant.
Genome position (GRCh38, 1-based): chr15:92,953,432, G>A. VCF-style: chr15-92953432-G-A. GRCh37 (hg19) VCF-style: chr15-93496662-G-A.
Identifiers: ClinVar variation 699794 (VCV000699794.18), dbSNP rs763466775, ClinGen allele CA7747837.

ClinVar aggregate classification (germline): Likely benign. Review status: criteria provided, multiple submitters, no conflicts (2 of 4 stars). 2 submissions from 2 submitters: Likely benign (2). Last evaluated 2025-11-17.

Conditions:
Developmental and epileptic encephalopathy 94 (DEE94). Also called: Epileptic encephalopathy, childhood-onset; CHD2-Related Neurodevelopmental Disorders. Identifiers: Orphanet 1942, Orphanet 2382, MedGen C3809278, MONDO:0014150, OMIM 615369.

Allele frequency attached by ClinVar (database versions not stated): ExAC 0.00001; gnomAD 0.00001; TOPMed 0.00001; gnomAD exomes 0.00002 and 0.00003.
gnomAD v4.1: 58 of 1,613,916 alleles (0.0036%); highest among the groups gnomAD compares: Non-Finnish European, 0.0042%; no homozygotes.

Submissions (2):

Labcorp Genetics (formerly Invitae), Labcorp
Classification: Likely benign for Developmental and epileptic encephalopathy 94. Last evaluated: 2025-11-17. Review status: criteria provided, single submitter. Criteria: Invitae Variant Classification Sherloc (09022015). Collection method: clinical testing. Allele origin: germline.

CeGaT Center for Human Genetics Tuebingen
Classification: Likely benign. Last evaluated: 2025-04-01. Review status: criteria provided, single submitter. Criteria: CeGaT Center For Human Genetics Tuebingen Variant Classification Criteria Version 2. Collection method: clinical testing. Allele origin: germline. Affected: yes. Observed: 1 variant allele.
Comment: CHD2: BS2